The following is an entry in ClinVar:

ClinVar aggregate classification (germline): Uncertain significance. Review status: criteria provided, multiple submitters, no conflicts (2 of 4 stars). 2 submissions from 2 submitters: Uncertain significance (2). Last evaluated 2025-12-15.

Conditions:
Neuroblastoma, susceptibility to, 3. Also called: ALK-Related Neuroblastic Tumor Susceptibility. Identifiers: Orphanet 635, MedGen C2751681, MONDO:0013083, OMIM 613014.
Hereditary cancer-predisposing syndrome. Also called: Neoplastic Syndromes, Hereditary; Hereditary neoplastic syndrome; Hereditary Cancer Syndrome; Tumor predisposition. Identifiers: Orphanet 140162, MedGen C0027672, MeSH D009386, MONDO:0015356.

Allele frequency attached by ClinVar (database versions not stated): gnomAD exomes below 0.00001; gnomAD 0.00001; 1000 Genomes Project 30x 0.00031.
gnomAD v4.1: 4 of 1,596,420 alleles (0.00025%); highest among the groups gnomAD compares: East Asian, 0.009%; no homozygotes.

Submissions (2):

Labcorp Genetics (formerly Invitae), Labcorp
Classification: Uncertain significance for Neuroblastoma, susceptibility to, 3. Last evaluated: 2025-12-15. Review status: criteria provided, single submitter. Criteria: Invitae Variant Classification Sherloc (09022015). Collection method: clinical testing. Allele origin: germline.
Comment: This sequence change replaces alanine, which is neutral and non-polar, with serine, which is neutral and polar, at codon 33 of the ALK protein (p.Ala33Ser). This variant is present in population databases (no rsID available, gnomAD 0.06%). This variant has not been reported in the literature in individuals affected with ALK-related conditions. ClinVar contains an entry for this variant (Variation ID: 2144155). An algorithm developed to predict the effect of missense changes on protein structure and function (PolyPhen-2) suggests that this variant is likely to be tolerated. In summary, the available evidence is currently insufficient to determine the role of this variant in disease. Therefore, it has been classified as a Variant of Uncertain Significance.

Ambry Genetics
Classification: Uncertain significance for Hereditary cancer-predisposing syndrome. Last evaluated: 2024-09-06. Review status: criteria provided, single submitter. Criteria: Ambry Variant Classification Scheme 2023. Collection method: clinical testing. Allele origin: germline.
Comment: The p.A33S variant (also known as c.97G>T), located in coding exon 1 of the ALK gene, results from a G to T substitution at nucleotide position 97. The alanine at codon 33 is replaced by serine, an amino acid with similar properties. This amino acid position is conserved. In addition, this alteration is predicted to be tolerated by in silico analysis. Based on the available evidence, the clinical significance of this variant remains unclear.

NM_004304.5(ALK):c.97G>T (p.Ala33Ser)

Gene: ALK (ALK receptor tyrosine kinase; minus strand). Cytogenetic location: 2p23.1.
Variant type: single nucleotide variant.
Coding change: c.97G>T on transcript NM_004304.5 (MANE Select); coding-DNA position 97, G replaced by T.
Protein change: p.Ala33Ser; replaces alanine 33 with serine.
Molecular consequence: missense variant.
Genome position (GRCh38, 1-based): chr2:29,920,563, C>A on the plus strand (G>T on the coding strand, the complement: ALK is on the minus strand). VCF-style: chr2-29920563-C-A. GRCh37 (hg19) VCF-style: chr2-30143429-C-A.
Other names: c.97G>T (NM_004304.4); short protein forms A33S.
Identifiers: ClinVar variation 2144155 (VCV002144155.6), dbSNP rs1384517795, ClinGen allele CA346590701.
Genomic context (GRCh38, chr2:29,920,563, plus strand): 5'-TCTTCCTCTGCAGGCGCGAGTAGCTGAGTGGCTCCCGGGGCTGCAGCGGCGGCCCCGCAG[C>A]TGGGGAGCCCGCGCGCTGGCCGGTCCCCATCCCGGAGCCCACAGCTGCCGTGGAAAGCAG-3'
Protein context (NP_004295.2, residues 23-43): MGTGQRAGSP[Ala33Ser]AGPPLQPREP